The following is an entry in ClinVar:

NM_000091.5(COL4A3):c.2746+1del

Genes: COL4A3 (collagen type IV alpha 3 chain; plus strand), MFF-DT (MFF divergent transcript; minus strand). Cytogenetic location: 2q36.3.
Variant type: Deletion.
Coding change: c.2746+1del on transcript NM_000091.5 (MANE Select); the canonical splice donor site of the intron after coding-DNA position 2746, one base deleted (G; older notation c.2746+1delG).
Molecular consequence: splice donor variant.
Genome position (GRCh38, 1-based): chr2:227,283,857, G deleted; the last of 4 consecutive G bases (chr2:227,283,854-227,283,857); deleting any one gives the same sequence. VCF-style (leftmost placement, unchanged base first): chr2-227283853-AG-A. GRCh37 (hg19) VCF-style: chr2-228148569-AG-A.
Identifiers: ClinVar variation 1071262 (VCV001071262.8), dbSNP rs2106172051, ClinGen allele CA2499215738.

ClinVar aggregate classification (germline): Pathogenic/Likely pathogenic. Review status: criteria provided, multiple submitters, no conflicts (2 of 4 stars). 2 submissions from 2 submitters: Pathogenic (1); Likely pathogenic (1). Last evaluated 2022-06-09.

Conditions:
COL4A3-related disorder. Also called: COL4A3-related condition; COL4A3-Related Disorders.

Submissions (2):

Labcorp Genetics (formerly Invitae), Labcorp
Classification: Pathogenic. Last evaluated: 2022-06-09. Review status: criteria provided, single submitter. Criteria: Invitae Variant Classification Sherloc (09022015). Collection method: clinical testing. Allele origin: germline.
Comment: For these reasons, this variant has been classified as Pathogenic. ClinVar contains an entry for this variant (Variation ID: 1071262). This variant is also known as c.2746+1del. This variant has not been reported in the literature in individuals affected with COL4A3-related conditions. This variant is not present in population databases (gnomAD no frequency). This sequence change creates a premature translational stop signal (p.Ser917Alafs*7) in the COL4A3 gene. It is expected to result in an absent or disrupted protein product. Loss-of-function variants in COL4A3 are known to be pathogenic (PMID: 8956999, 24854265, 26809805, 27281700).

Blueprint Genetics
Classification: Likely pathogenic for COL4A3-related disorders. Last evaluated: 2020-09-29. Review status: criteria provided, single submitter. Criteria: ACMG Guidelines, 2015. Collection method: clinical testing. Allele origin: germline. Affected: yes. Observed: 1 variant allele.

Literature cited by the submitters: PubMed 8956999 (cited by Labcorp Genetics (formerly Invitae), Labcorp); PubMed 24854265 (cited by Labcorp Genetics (formerly Invitae), Labcorp); PubMed 26809805 (cited by Labcorp Genetics (formerly Invitae), Labcorp); PubMed 27281700 (cited by Labcorp Genetics (formerly Invitae), Labcorp).